The following is an entry in ClinVar:

ClinVar aggregate classification (germline): Uncertain significance (1 of 4 stars; one submission).

Conditions:
Inborn genetic diseases. Identifiers: MedGen C0950123, MeSH D030342.

gnomAD v4.1: 1 of 1,347,060 alleles (0.000074%); highest among the groups gnomAD compares: African/African-American, 0.0015%; no homozygotes.

Submission:

Ambry Genetics
Classification: Uncertain significance for Inborn genetic diseases. Last evaluated: 2024-08-25. Review status: criteria provided, single submitter. Criteria: Ambry Variant Classification Scheme 2023. Collection method: clinical testing. Allele origin: germline.
Comment: The p.P152A variant (also known as c.454C>G), located in coding exon 1 of the SMAD6 gene, results from a C to G substitution at nucleotide position 454. The proline at codon 152 is replaced by alanine, an amino acid with highly similar properties. This amino acid position is conserved. In addition, this alteration is predicted to be tolerated by in silico analysis. Based on the available evidence, the clinical significance of this variant remains unclear.

NM_005585.5(SMAD6):c.454C>G (p.Pro152Ala)

Gene: SMAD6 (SMAD family member 6; plus strand). Cytogenetic location: 15q22.31.
Variant type: single nucleotide variant.
Coding change: c.454C>G on transcript NM_005585.5 (MANE Select); coding-DNA position 454, C replaced by G.
Protein change: p.Pro152Ala; replaces proline 152 with alanine.
Molecular consequence: missense variant. On other transcripts: non-coding transcript variant (1).
Genome position (GRCh38, 1-based): chr15:66,703,712, C>G. VCF-style: chr15-66703712-C-G. GRCh37 (hg19) VCF-style: chr15-66996050-C-G.
Other names: short protein forms P152A.
Identifiers: ClinVar variation 3445893 (VCV003445893.1).
Genomic context (GRCh38, chr15:66,703,712, plus strand): 5'-CGGGACGCCGCCGGCGCGCCCCGGGACGCCAGCGACCCCCTGGCCGGGGCGGCCCTGGAG[C>G]CGGCGGGCGGCGGGCGGAGTCGCGAAGCGCGCTCGCGGCTGCTGCTGCTGGAGCAGGAAC-3'
Protein context (NP_005576.3, residues 142-162): SDPLAGAALE[Pro152Ala]AGGGRSREAR